The following is an entry in ClinVar:

NM_001164508.2(NEB):c.18194T>C (p.Ile6065Thr)

Gene: NEB (nebulin; minus strand). Cytogenetic location: 2q23.3.
Variant type: single nucleotide variant.
Coding change: c.18194T>C on transcript NM_001164508.2 (MANE Select); coding-DNA position 18194, T replaced by C.
Protein change: p.Ile6065Thr; replaces isoleucine 6065 with threonine.
Molecular consequence: missense variant.
Genome position (GRCh38, 1-based): chr2:151,565,783, A>G on the plus strand (T>C on the coding strand, the complement: NEB is on the minus strand). VCF-style: chr2-151565783-A-G. GRCh37 (hg19) VCF-style: chr2-152422297-A-G.
Other names: c.18194T>C, p.Ile6065Thr (NM_001164507.2, NM_001271208.2); c.13091T>C, p.Ile4364Thr (NM_004543.5); c.13091T>C (NM_004543.4); short protein forms I6065T, I4364T.
Identifiers: ClinVar variation 2061179 (VCV002061179.4), dbSNP rs1213296237, ClinGen allele CA348802485.

ClinVar aggregate classification (germline): Uncertain significance. Review status: criteria provided, multiple submitters, no conflicts (2 of 4 stars). 3 submissions from 3 submitters: Uncertain significance (3). Last evaluated 2026-06-01.

Conditions:
Inborn genetic diseases. Identifiers: MedGen C0950123, MeSH D030342.
Nemaline myopathy 2 (NEM2). Also called: Nemaline myopathy 2, autosomal recessive. Identifiers: MedGen C1850569, MONDO:0009725, OMIM 256030.

Allele frequency attached by ClinVar (database versions not stated): gnomAD exomes 0.00001; TOPMed 0.00001; gnomAD 0.00002.
gnomAD v4.1: 14 of 1,612,180 alleles (0.00087%); highest among the groups gnomAD compares: South Asian, 0.0022%; no homozygotes.

Submissions (3):

CeGaT Center for Human Genetics Tuebingen
Classification: Uncertain significance. Last evaluated: 2026-06-01. Review status: criteria provided, single submitter. Criteria: CeGaT Center For Human Genetics Tuebingen Variant Classification Criteria Version 2. Collection method: clinical testing. Allele origin: germline. Affected: yes. Observed: 1 variant allele.
Comment: NEB: PM2

Ambry Genetics
Classification: Uncertain significance for Inborn genetic diseases. Last evaluated: 2025-12-10. Review status: criteria provided, single submitter. Criteria: Ambry Variant Classification Scheme 2023. Collection method: clinical testing. Allele origin: germline.

Labcorp Genetics (formerly Invitae), Labcorp
Classification: Uncertain significance for Nemaline myopathy 2. Last evaluated: 2022-05-12. Review status: criteria provided, single submitter. Criteria: Invitae Variant Classification Sherloc (09022015). Collection method: clinical testing. Allele origin: germline.
Comment: This sequence change replaces isoleucine, which is neutral and non-polar, with threonine, which is neutral and polar, at codon 6065 of the NEB protein (p.Ile6065Thr). This variant is present in population databases (no rsID available, gnomAD 0.003%). This variant has not been reported in the literature in individuals affected with NEB-related conditions. Algorithms developed to predict the effect of missense changes on protein structure and function are either unavailable or do not agree on the potential impact of this missense change (SIFT: "Deleterious"; PolyPhen-2: "Not Available"; Align-GVGD: "Class C0"). In summary, the available evidence is currently insufficient to determine the role of this variant in disease. Therefore, it has been classified as a Variant of Uncertain Significance.